The following is an entry in ClinVar:

NM_000046.5(ARSB):c.1366C>T (p.Gln456Ter)

Gene: ARSB (arylsulfatase B; minus strand). Cytogenetic location: 5q14.1.
Variant type: single nucleotide variant.
Coding change: c.1366C>T on transcript NM_000046.5 (MANE Select); coding-DNA position 1366, C replaced by T.
Protein change: p.Gln456Ter; replaces glutamine 456 with a stop codon.
Molecular consequence: nonsense.
Genome position (GRCh38, 1-based): chr5:78,780,633, G>A on the plus strand (C>T on the coding strand, the complement: ARSB is on the minus strand). VCF-style: chr5-78780633-G-A. GRCh37 (hg19) VCF-style: chr5-78076456-G-A.
Other names: short protein forms Q456*.
Identifiers: ClinVar variation 559709 (VCV000559709.8), dbSNP rs200188234, ClinGen allele CA3317994.

ClinVar aggregate classification (germline): Pathogenic/Likely pathogenic. Review status: criteria provided, multiple submitters, no conflicts (2 of 4 stars). 4 submissions from 4 submitters: Pathogenic (3); Likely pathogenic (1). Last evaluated 2025-01-24.

Conditions:
Mucopolysaccharidosis type 6 (MPS6). Also called: N-ACETYLGALACTOSAMINE-4-SULFATASE DEFICIENCY; MPS VI; MPS 6; Maroteaux Lamy syndrome; ARSB DEFICIENCY; ARYLSULFATASE B DEFICIENCY. Identifiers: Orphanet 583, MedGen C0026709, MONDO:0009661, OMIM 253200.

Allele frequency attached by ClinVar (database versions not stated): ExAC 0.00001; gnomAD 0.00001; gnomAD exomes 0.00001; TOPMed 0.00001; 1000 Genomes Project 30x 0.00016; 1000 Genomes Project 0.00020.
gnomAD v4.1: 14 of 1,614,128 alleles (0.00087%); highest among the groups gnomAD compares: Non-Finnish European, 0.0012%; no homozygotes.

Submissions (4):

Natera, Inc.
Classification: Likely pathogenic for Mucopolysaccharidosis type VI. Last evaluated: 2025-01-24. Review status: criteria provided, single submitter. Criteria: Natera Variant Classification Schema (03/2026). Collection method: clinical testing. Allele origin: germline.
Comment: The c.1366C>T variant in ARSB is a nonsense variant predicted to introduce a stop codon at amino acid 456. This variant is expected to result in nonsense mediated decay, truncation, or a dysfunctional protein product. This variant is rare in the general population with a frequency below the threshold expected for the associated phenotype(s). This variant has been found together with another disease-causing variant in the same copy of the gene (PMID: 17458871). Given the available evidence, this variant is classified as Likely Pathogenic.

Baylor Genetics
Classification: Pathogenic for Mucopolysaccharidosis type 6. Last evaluated: 2023-10-18. Review status: criteria provided, single submitter. Criteria: ACMG Guidelines, 2015. Collection method: clinical testing. Allele origin: unknown.

Labcorp Genetics (formerly Invitae), Labcorp
Classification: Pathogenic for Mucopolysaccharidosis type 6. Last evaluated: 2023-04-11. Review status: criteria provided, single submitter. Criteria: Invitae Variant Classification Sherloc (09022015). Collection method: clinical testing. Allele origin: germline.
Comment: For these reasons, this variant has been classified as Pathogenic. ClinVar contains an entry for this variant (Variation ID: 559709). This premature translational stop signal has been observed in individual(s) with mucopolysaccharidosis type VI (PMID: 10206678, 17458871). This variant is present in population databases (rs200188234, gnomAD 0.002%). This sequence change creates a premature translational stop signal (p.Gln456*) in the ARSB gene. While this is not anticipated to result in nonsense mediated decay, it is expected to disrupt the last 78 amino acid(s) of the ARSB protein.

Laboratory of Diagnosis and Therapy of Lysosomal Disorders, University of Padova
Classification: Pathogenic for Mucopolysaccharidosis type 6. Last evaluated: 2018-01-01. Review status: criteria provided, single submitter. Criteria: ACMG Guidelines, 2015. Collection method: curation. Allele origin: germline. Affected: yes.
Comment: Nonsense variant (PVS1); Very low frequency in ExAC (PM2); Classified as pathogenic by a reputable source (PP5)

Literature cited by the submitters: PubMed 17458871 (cited by 3 submitters); PubMed 10206678 (cited by Labcorp Genetics (formerly Invitae), Labcorp and Laboratory of Diagnosis and Therapy of Lysosomal Disorders, University of Padova); PubMed 30118150 (cited by Laboratory of Diagnosis and Therapy of Lysosomal Disorders, University of Padova).